The following is an entry in ClinVar:

ClinVar aggregate classification (germline): Likely benign. Review status: criteria provided, single submitter (1 of 4 stars). 2 submissions from 2 submitters: Likely benign (1). 1 of the submissions does not count toward it. Last evaluated 2026-09-01.

Conditions:
KCNQ1-related disorder. Also called: KCNQ1-related disorders; KCNQ1-related condition. Identifiers: MedGen CN239322.

Allele frequency attached by ClinVar (database versions not stated): 1000 Genomes Project 30x 0.00187; 1000 Genomes Project 0.00220; gnomAD 0.00228; TOPMed 0.00245; gnomAD exomes 0.00326.
gnomAD v4.1: 1,132 of 398,696 alleles (0.28%); highest among the groups gnomAD compares: Non-Finnish European, 0.43%; 4 homozygotes.

Submissions (2):

CeGaT Center for Human Genetics Tuebingen
Classification: Likely benign. Last evaluated: 2026-09-01. Review status: criteria provided, single submitter. Criteria: CeGaT Center For Human Genetics Tuebingen Variant Classification Criteria Version 2. Collection method: clinical testing. Allele origin: germline. Affected: yes. Observed: 19 variant alleles.
Comment: KCNQ1OT1: BS2

PreventionGenetics, part of Exact Sciences
Classification: Likely benign for KCNQ1-related condition. Last evaluated: 2022-03-18. Review status: no assertion criteria provided. Collection method: clinical testing. Allele origin: germline. Not counted in ClinVar's aggregate classification.
Comment: This variant is classified as likely benign based on ACMG/AMP sequence variant interpretation guidelines (Richards et al. 2015 PMID: 25741868, with internal and published modifications).

NM_000218.3(KCNQ1):c.1514+4399C>T

Genes: KCNQ1 (potassium voltage-gated channel subfamily Q member 1; plus strand), KCNQ1OT1 (KCNQ1 opposite strand/antisense transcript 1; minus strand). Cytogenetic location: 11p15.5.
Variant type: single nucleotide variant.
Coding change: c.1514+4399C>T on transcript NM_000218.3 (MANE Select); 4399 bases into the intron after coding-DNA position 1514, C replaced by T.
Molecular consequence: intron variant. On other transcripts: non-coding transcript variant (1).
Genome position (GRCh38, 1-based): chr11:2,666,480, C>T. VCF-style: chr11-2666480-C-T. GRCh37 (hg19) VCF-style: chr11-2687710-C-T.
Other names: c.1244+4399C>T (NM_001406837.1); c.1418+4399C>T (NM_001406836.1); c.974+4399C>T (NM_001406838.1); c.1133+4399C>T (NM_181798.2); c.1514+4399C>T (NM_000218.2).
Identifiers: ClinVar variation 2641459 (VCV002641459.25), dbSNP rs147039829, ClinGen allele CA216174846.